The following is an entry in ClinVar:

ClinVar aggregate classification (germline): Uncertain significance (1 of 4 stars; one submission).

Conditions:
Hereditary breast ovarian cancer syndrome. Also called: Hereditary breast and/or ovarian cancer syndrome; BRCA1- and BRCA2-Associated Hereditary Breast and Ovarian Cancer; Hereditary breast and ovarian cancer syndrome; Hereditary breast and ovarian cancer; Hereditary breast and ovarian cancer syndrome (HBOC); Breast and ovarian cancer. Identifiers: Orphanet 145, MedGen C0677776, MeSH D061325, MONDO:0003582. Disease mechanism: loss of function.

Submissions (2):

Labcorp Genetics (formerly Invitae), Labcorp
Classification: Uncertain significance for Hereditary breast ovarian cancer syndrome. Last evaluated: 2020-08-14. Review status: criteria provided, single submitter. Criteria: Invitae Variant Classification Sherloc (09022015). Collection method: clinical testing. Allele origin: germline.
Comment: This variant has not been reported in the literature in individuals with BRCA1-related conditions. ClinVar contains an entry for this variant (Variation ID: 865301). Advanced modeling of protein sequence and biophysical properties (such as structural, functional, and spatial information, amino acid conservation, physicochemical variation, residue mobility, and thermodynamic stability) performed at Invitae indicates that this missense variant is not expected to disrupt BRCA1 protein function. Experimental studies have shown that this variant does not substantially affect BRCA1 protein function (PMID: 30209399). In summary, the available evidence is currently insufficient to determine the role of this variant in disease. Therefore, it has been classified as a Variant of Uncertain Significance. This variant is not present in population databases (ExAC no frequency). This sequence change replaces threonine with proline at codon 77 of the BRCA1 protein (p.Thr77Pro). The threonine residue is moderately conserved and there is a small physicochemical difference between threonine and proline.

Brotman Baty Institute, University of Washington
No classification provided (evidence only). Condition: Breast-ovarian cancer, familial 1. Review status: no classification provided. Collection method: in vitro. Allele origin: not applicable. Functional consequence: functionally_normal. Not counted in ClinVar's aggregate classification.
ClinVar note: "not provided" was previously submitted as the classification for the variant. However, the classification appeared to be based only on an observation of functional data so it was converted to no classification on 2025-07-30.

Literature cited by the submitters: PubMed 30209399 (cited by Labcorp Genetics (formerly Invitae), Labcorp).

NM_007294.4(BRCA1):c.229A>C (p.Thr77Pro)

Gene: BRCA1 (BRCA1 DNA repair associated; minus strand). Cytogenetic location: 17q21.31.
Variant type: single nucleotide variant.
Coding change: c.229A>C on transcript NM_007294.4 (MANE Select); coding-DNA position 229, A replaced by C.
Protein change: p.Thr77Pro; replaces threonine 77 with proline.
Molecular consequence: missense variant. On other transcripts: non-coding transcript variant (1).
Genome position (GRCh38, 1-based): chr17:43,104,940, T>G on the plus strand (A>C on the coding strand, the complement: BRCA1 is on the minus strand). VCF-style: chr17-43104940-T-G. GRCh37 (hg19) VCF-style: chr17-41256957-T-G.
Other names: c.88A>C, p.Thr30Pro (NM_001408462.1, NM_001408463.1, NM_001408464.1 and 99 more transcripts); c.229A>C, p.Thr77Pro (NM_001408472.1, NM_001408473.1, NM_001408494.1 and 168 more transcripts); c.151A>C, p.Thr51Pro (NM_001408474.1, NM_001408475.1, NM_001408476.1 and 21 more transcripts); c.19A>C, p.Thr7Pro (NM_001408478.1, NM_001408479.1, NM_001408480.1 and 58 more transcripts); c.-153A>C (NM_001408510.1, NM_001408512.1, NM_001407959.1 and 4 more transcripts); c.97A>C, p.Thr33Pro (NM_001408451.1); short protein forms T30P, T77P, T51P, T33P, T7P.
Identifiers: ClinVar variation 865301 (VCV000865301.12), dbSNP rs2054694217, ClinGen allele CA10601702.